The following is an entry in ClinVar:

NM_004360.5(CDH1):c.1477G>C (p.Val493Leu)

Gene: CDH1 (cadherin 1; plus strand). Cytogenetic location: 16q22.1.
Variant type: single nucleotide variant.
Coding change: c.1477G>C on transcript NM_004360.5 (MANE Select); coding-DNA position 1477, G replaced by C.
Protein change: p.Val493Leu; replaces valine 493 with leucine.
Molecular consequence: missense variant. On other transcripts: 5 prime UTR variant (2).
Genome position (GRCh38, 1-based): chr16:68,815,671, G>C. VCF-style: chr16-68815671-G-C. GRCh37 (hg19) VCF-style: chr16-68849574-G-C.
Other names: p.V493L:GTG>CTG; c.1477G>C (LRG_301t1); c.1294G>C, p.Val432Leu (NM_001317184.2); c.-72G>C (NM_001317185.2); c.-343G>C (NM_001317186.2); short protein forms V493L, V432L.
Identifiers: ClinVar variation 182398 (VCV000182398.26), dbSNP rs730881666, ClinGen allele CA298992.

ClinVar aggregate classification (germline): Conflicting classifications of pathogenicity. Review status: criteria provided, conflicting classifications (1 of 4 stars). 9 submissions from 9 submitters: Uncertain significance (6); Benign (1); Likely benign (1). 1 of the submissions does not count toward it. Last evaluated 2026-03-25.

Conditions:
Hereditary cancer-predisposing syndrome. Also called: Tumor predisposition; Neoplastic Syndromes, Hereditary; Hereditary Cancer Syndrome; Hereditary neoplastic syndrome. Identifiers: Orphanet 140162, MedGen C0027672, MeSH D009386, MONDO:0015356.
Hereditary diffuse gastric adenocarcinoma (HDGC). Also called: DIFFUSE GASTRIC AND LOBULAR BREAST CANCER SYNDROME. Identifiers: Orphanet 26106, MedGen C1708349, MONDO:0007648, OMIM 137215.
Familial cancer of breast. Also called: Hereditary breast cancer; BREAST CANCER, FAMILIAL; hereditary breast carcinoma. Identifiers: Orphanet 227535, MedGen C0346153, MONDO:0016419, OMIM 114480. Disease mechanism: loss of function.

Allele frequency attached by ClinVar (database versions not stated): gnomAD 0.00001; gnomAD exomes 0.00001 and 0.00003; ExAC 0.00003.

Submissions (9):

Myriad Genetics, Inc.
Classification: Likely benign for Hereditary diffuse gastric adenocarcinoma. Last evaluated: 2026-03-25. Review status: criteria provided, single submitter. Criteria: Myriad Autosomal Dominant, Autosomal Recessive and X-Linked Classification Criteria (2023). Collection method: clinical testing. Allele origin: unknown.
Comment: This variant is considered likely benign. This variant been observed in trans with a known pathogenic variant in one or more individuals. Compound heterozygosity for pathogenic variants in this gene is generally assumed to result in embryonic lethality.

Ambry Genetics
Classification: Benign for Hereditary cancer-predisposing syndrome. Last evaluated: 2025-03-11. Review status: criteria provided, single submitter. Criteria: Ambry Variant Classification Scheme 2023. Collection method: clinical testing. Allele origin: germline.

Labcorp Genetics (formerly Invitae), Labcorp
Classification: Uncertain significance for Hereditary diffuse gastric adenocarcinoma. Last evaluated: 2024-11-27. Review status: criteria provided, single submitter. Criteria: Invitae Variant Classification Sherloc (09022015). Collection method: clinical testing. Allele origin: germline.
Comment: This sequence change replaces valine, which is neutral and non-polar, with leucine, which is neutral and non-polar, at codon 493 of the CDH1 protein (p.Val493Leu). This variant is present in population databases (rs730881666, gnomAD 0.007%). This variant has not been reported in the literature in individuals affected with CDH1-related conditions. ClinVar contains an entry for this variant (Variation ID: 182398). An algorithm developed to predict the effect of missense changes on protein structure and function outputs the following: PolyPhen-2: "Benign". The leucine amino acid residue is found in multiple mammalian species, which suggests that this missense change does not adversely affect protein function. In summary, the available evidence is currently insufficient to determine the role of this variant in disease. Therefore, it has been classified as a Variant of Uncertain Significance.

GeneDx
Classification: Uncertain significance. Last evaluated: 2023-12-19. Review status: criteria provided, single submitter. Criteria: GeneDx Variant Classification Process June 2021. Collection method: clinical testing. Allele origin: germline. Affected: yes.
Comment: Not observed at significant frequency in large population cohorts (gnomAD); In silico analysis supports that this missense variant does not alter protein structure/function; Observed in individuals with breast cancer and no known personal or family history of gastric cancer in a study of CDH1 variants (PMID: 36436516); This variant is associated with the following publications: (PMID: 22722829, 15235021, 22850631, 36436516)

Baylor Genetics
Classification: Uncertain significance for Familial cancer of breast. Last evaluated: 2023-09-24. Review status: criteria provided, single submitter. Criteria: ACMG Guidelines, 2015. Collection method: clinical testing. Allele origin: unknown.

Color Diagnostics, LLC DBA Color Health
Classification: Uncertain significance for Hereditary cancer-predisposing syndrome. Last evaluated: 2022-09-19. Review status: criteria provided, single submitter. Criteria: ACMG Guidelines, 2015. Collection method: clinical testing. Allele origin: germline.
Comment: This missense variant replaces valine with leucine at codon 493 of the CDH1 protein. Computational prediction suggests that this variant may not impact protein structure and function (internally defined REVEL score threshold <= 0.5, PMID: 27666373). To our knowledge, functional studies have not been performed for this variant. This variant has not been reported in individuals affected with hereditary cancer in the literature. This variant has been identified in 8/251488 chromosomes in the general population by the Genome Aggregation Database (gnomAD). The available evidence is insufficient to determine the role of this variant in disease conclusively. Therefore, this variant is classified as a Variant of Uncertain Significance.

European Reference Network on Genetic Tumour Risk Syndromes (ERN-GENTURIS), i3s - Instituto de Investigação e Inovação em Saúde, University of Porto
Classification: Uncertain significance for Hereditary diffuse gastric adenocarcinoma. Last evaluated: 2022-08-01. Review status: criteria provided, single submitter. Criteria: Lee et al. (Hum Mutat. 2018). Collection method: clinical testing. Allele origin: germline. Inheritance: Autosomal dominant inheritance. Affected: no. Study: ERN GENTURIS.
Comment: Not applicable criteria (PMID: 30311375)

Quest Diagnostics Nichols Institute San Juan Capistrano
Classification: Uncertain significance. Last evaluated: 2020-10-16. Review status: criteria provided, single submitter. Criteria: Quest Diagnostics criteria. Collection method: clinical testing. Allele origin: unknown.

True Health Diagnostics
Classification: Uncertain significance for Hereditary cancer-predisposing syndrome. Last evaluated: 2018-07-13. Review status: no assertion criteria provided. Collection method: clinical testing. Allele origin: germline. Not counted in ClinVar's aggregate classification.

Literature cited by the submitters: PubMed 36436516 (cited by European Reference Network on Genetic Tumour Risk Syndromes (ERN-GENTURIS), i3s - Instituto de Investigação e Inovação em Saúde, University of Porto).